The following is an entry in ClinVar:

NM_001197104.2(KMT2A):c.4820-45T>C

Gene: KMT2A (lysine methyltransferase 2A; plus strand). Cytogenetic location: 11q23.3.
Variant type: single nucleotide variant.
Coding change: c.4820-45T>C on transcript NM_001197104.2 (MANE Select); 45 bases into the intron before coding-DNA position 4820, T replaced by C.
Molecular consequence: intron variant.
Genome position (GRCh38, 1-based): chr11:118,491,699, T>C. VCF-style: chr11-118491699-T-C. GRCh37 (hg19) VCF-style: chr11-118362414-T-C.
Other names: c.4811-45T>C (NM_005933.4).
Identifiers: ClinVar variation 1283277 (VCV001283277.4), dbSNP rs562780, ClinGen allele CA6303952.
Genomic context (GRCh38, chr11:118,491,699, plus strand): 5'-GTTCCCAACATATGGCTTTATAGTAAGTTCAGTGGAATAGTTTCCTCTTCTTCCTCTCTC[T>C]CATTCTTCAGAGGACCTCATCATGGTAGGTTTTTGTTTTCTTAGATGAGATGTATGAGAT-3'

ClinVar aggregate classification (germline): Benign. Review status: criteria provided, multiple submitters, no conflicts (2 of 4 stars). 3 submissions from 3 submitters: Benign (3). Last evaluated 2024-01-24.

Allele frequency attached by ClinVar (database versions not stated): 1000 Genomes Project 0.74681; ExAC 0.82175; gnomAD exomes 0.82182 and 0.85388; gnomAD 0.86083 and 0.87322; TOPMed 0.87306; ESP Exome Variant Server 0.88085.
gnomAD v4.1: 1,210,188 of 1,417,222 alleles (85%); highest among the groups gnomAD compares: Admixed American, 93%; 522,081 homozygotes.

Submissions (3):

Unidad de Genómica Garrahan, Hospital de Pediatría Garrahan
Classification: Benign. Last evaluated: 2024-01-24. Review status: criteria provided, single submitter. Criteria: ACMG Guidelines, 2015. Collection method: clinical testing. Allele origin: germline. Affected: no. Observed: 94 variant alleles.
Comment: This variant is classified as Benign based on local population frequency. This variant was detected in 99% of patients studied by a panel of primary immunodeficiencies. Number of patients: 94. Only high quality variants are reported.

GeneDx
Classification: Benign. Last evaluated: 2018-07-03. Review status: criteria provided, single submitter. Criteria: GeneDx Variant Classification Process June 2021. Collection method: clinical testing. Allele origin: germline. Affected: yes.

Breakthrough Genomics
Classification: Benign. Review status: criteria provided, single submitter. Criteria: ACMG Guidelines, 2015. Collection method: not provided. Allele origin: germline. Inheritance: Autosomal dominant inheritance. Affected: yes.